The following is an entry in ClinVar:

ClinVar aggregate classification (germline): Likely benign. Review status: criteria provided, multiple submitters, no conflicts (2 of 4 stars). 5 submissions from 5 submitters: Likely benign (3). 2 of the submissions do not count toward it. Last evaluated 2026-02-07.

Conditions:
Smith-Lemli-Opitz syndrome (SLOS). Also called: LETHAL ACRODYSGENITAL SYNDROME; POLYDACTYLY, SEX REVERSAL, RENAL HYPOPLASIA, AND UNILOBAR LUNG; RSH SYNDROME; RUTLEDGE LETHAL MULTIPLE CONGENITAL ANOMALY SYNDROME; 7-Dehydrocholesterol reductase deficiency. Identifiers: Orphanet 818, MedGen C0175694, MONDO:0010035, OMIM 270400.
DHCR7-related disorder. Also called: DHCR7-related condition.
Inborn genetic diseases. Identifiers: MedGen C0950123, MeSH D030342.

Allele frequency attached by ClinVar (database versions not stated): gnomAD 0.00002; TOPMed 0.00003.
gnomAD v4.1: 10 of 1,612,942 alleles (0.00062%); highest among the groups gnomAD compares: Middle Eastern, 0.016%; no homozygotes.

Submissions (5):

Ambry Genetics
Classification: Likely benign for Inborn genetic diseases. Last evaluated: 2026-02-07. Review status: criteria provided, single submitter. Criteria: Ambry Variant Classification Scheme 2023. Collection method: clinical testing. Allele origin: germline.

Labcorp Genetics (formerly Invitae), Labcorp
Classification: Likely benign for Smith-Lemli-Opitz syndrome. Last evaluated: 2025-01-22. Review status: criteria provided, single submitter. Criteria: Invitae Variant Classification Sherloc (09022015). Collection method: clinical testing. Allele origin: germline.

GeneDx
Classification: Likely benign. Last evaluated: 2018-01-12. Review status: criteria provided, single submitter. Criteria: GeneDx Variant Classification (06012015). Collection method: clinical testing. Allele origin: germline. Affected: yes.
Comment: This variant is considered likely benign or benign based on one or more of the following criteria: it is a conservative change, it occurs at a poorly conserved position in the protein, it is predicted to be benign by multiple in silico algorithms, and/or has population frequency not consistent with disease.

PreventionGenetics, part of Exact Sciences
Classification: Likely benign for DHCR7-related condition. Last evaluated: 2022-08-30. Review status: no assertion criteria provided. Collection method: clinical testing. Allele origin: germline. Not counted in ClinVar's aggregate classification.
Comment: This variant is classified as likely benign based on ACMG/AMP sequence variant interpretation guidelines (Richards et al. 2015 PMID: 25741868, with internal and published modifications).

Natera, Inc.
Classification: Likely benign for Smith-Lemli-Opitz syndrome. Last evaluated: 2020-04-16. Review status: no assertion criteria provided. Collection method: clinical testing. Allele origin: germline. Not counted in ClinVar's aggregate classification.

NM_001360.3(DHCR7):c.1134C>T (p.Ile378=)

Gene: DHCR7 (7-dehydrocholesterol reductase; minus strand). Cytogenetic location: 11q13.4.
Variant type: single nucleotide variant.
Coding change: c.1134C>T on transcript NM_001360.3 (MANE Select); coding-DNA position 1134, C replaced by T.
Protein change: p.Ile378=; no amino-acid change (isoleucine 378 retained).
Molecular consequence: synonymous variant.
Genome position (GRCh38, 1-based): chr11:71,435,669, G>A on the plus strand (C>T on the coding strand, the complement: DHCR7 is on the minus strand). VCF-style: chr11-71435669-G-A. GRCh37 (hg19) VCF-style: chr11-71146715-G-A.
Other names: c.1134C>T, p.Ile378= (NM_001163817.2).
Identifiers: ClinVar variation 514353 (VCV000514353.15), dbSNP rs773505265, ClinGen allele CA6162307.